The following is an entry in ClinVar:

ClinVar aggregate classification (germline): Uncertain significance (1 of 4 stars; one submission).

Conditions:
Tyrosinemia type I (TYRSN1). Also called: Tyrosinemia type 1; Fumarylacetoacetase deficiency; Deficiency of fumarylacetoacetase; FAH DEFICIENCY; HEPATORENAL TYROSINEMIA. Identifiers: Orphanet 882, MedGen C0268490, MONDO:0010161, OMIM 276700. Disease mechanism: loss of function.

Submission:

3billion
Classification: Uncertain significance for Tyrosinemia type I. Last evaluated: 2024-02-05. Review status: criteria provided, single submitter. Criteria: ACMG Guidelines, 2015. Collection method: clinical testing. Allele origin: germline. Affected: yes.
Comment: The variant is not observed in the gnomAD v2.1.1 dataset. Predicted Consequence/Location: Missense variant In silico tool predictions suggest damaging effect of the variant on gene or gene product [REVEL: 0.93 (>=0.6, sensitivity 0.68 and specificity 0.92); 3Cnet: 0.94 (>=0.6, sensitivity 0.72 and precision 0.9)]. A different missense change at the same codon (p.Thr325Met) has been reported to be associated with FAH-related disorder (ClinVar ID: VCV000552826 /PMID: 12555948). However the evidence of pathogenicity is insufficient at this time. Therefore, this variant is classified as VUS according to the recommendation of ACMG/AMP guideline.

Literature cited by the submitters: PubMed 12555948.

NM_000137.4(FAH):c.974C>A (p.Thr325Lys)

Gene: FAH (fumarylacetoacetate hydrolase; plus strand). Cytogenetic location: 15q25.1.
Variant type: single nucleotide variant.
Coding change: c.974C>A on transcript NM_000137.4 (MANE Select); coding-DNA position 974, C replaced by A.
Protein change: p.Thr325Lys; replaces threonine 325 with lysine.
Molecular consequence: missense variant.
Genome position (GRCh38, 1-based): chr15:80,180,137, C>A. VCF-style: chr15-80180137-C-A. GRCh37 (hg19) VCF-style: chr15-80472479-C-A.
Other names: c.974C>A, p.Thr325Lys (NM_001374377.1, NM_001374380.1); short protein forms T325K.
Identifiers: ClinVar variation 3776051 (VCV003776051.1).